The following is an entry in ClinVar:

NM_000088.4(COL1A1):c.1958G>T (p.Gly653Val)

Gene: COL1A1 (collagen type I alpha 1 chain; minus strand). Cytogenetic location: 17q21.33.
Variant type: single nucleotide variant.
Coding change: c.1958G>T on transcript NM_000088.4 (MANE Select); coding-DNA position 1958, G replaced by T.
Protein change: p.Gly653Val; replaces glycine 653 with valine.
Molecular consequence: missense variant.
Genome position (GRCh38, 1-based): chr17:50,192,500, C>A on the plus strand (G>T on the coding strand, the complement: COL1A1 is on the minus strand). VCF-style: chr17-50192500-C-A. GRCh37 (hg19) VCF-style: chr17-48269861-C-A.
Other names: short protein forms G653V.
Identifiers: ClinVar variation 3369106 (VCV003369106.1).

ClinVar aggregate classification (germline): Pathogenic (1 of 4 stars; one submission).

Submission:

GeneDx
Classification: Pathogenic. Last evaluated: 2024-02-12. Review status: criteria provided, single submitter. Criteria: GeneDx Variant Classification Process June 2021. Collection method: clinical testing. Allele origin: germline. Affected: yes.
Comment: Occurs in the triple helical domain and replaces a glycine in a canonical Gly-X-Y repeat; missense substitution of a canonical glycine residue is expected to disrupt normal protein folding and function, and this is an established mechanism of disease (PMID: 34007986); Not observed at significant frequency in large population cohorts (gnomAD); In silico analysis supports that this missense variant has a deleterious effect on protein structure/function; Has not been previously published as pathogenic or benign to our knowledge; This variant is associated with the following publications: (PMID: 34007986)